The following is an entry in ClinVar:

NM_177438.3(DICER1):c.4876G>C (p.Val1626Leu)

Gene: DICER1 (dicer 1, ribonuclease III; minus strand). Cytogenetic location: 14q32.13.
Variant type: single nucleotide variant.
Coding change: c.4876G>C on transcript NM_177438.3 (MANE Select); coding-DNA position 4876, G replaced by C.
Protein change: p.Val1626Leu; replaces valine 1626 with leucine.
Molecular consequence: missense variant.
Genome position (GRCh38, 1-based): chr14:95,096,044, C>G on the plus strand (G>C on the coding strand, the complement: DICER1 is on the minus strand). VCF-style: chr14-95096044-C-G. GRCh37 (hg19) VCF-style: chr14-95562381-C-G.
Other names: c.4876G>C, p.Val1626Leu (NM_001195573.1, NM_001271282.3, NM_001291628.2 and 1 more transcripts); short protein forms V1626L.
Identifiers: ClinVar variation 651032 (VCV000651032.11), dbSNP rs1555367589, ClinGen allele CA390866565.

ClinVar aggregate classification (germline): Uncertain significance. Review status: criteria provided, multiple submitters, no conflicts (2 of 4 stars). 2 submissions from 2 submitters: Uncertain significance (2). Last evaluated 2024-12-12.

Conditions:
DICER1-related tumor predisposition. Also called: DICER1-related pleuropulmonary blastoma cancer predisposition syndrome; DICER1 syndrome. Identifiers: Orphanet 284343, MedGen C3839822, MONDO:0100216.
Hereditary cancer-predisposing syndrome. Also called: Hereditary Cancer Syndrome; Tumor predisposition; Neoplastic Syndromes, Hereditary; Hereditary neoplastic syndrome. Identifiers: Orphanet 140162, MedGen C0027672, MeSH D009386, MONDO:0015356.

Allele frequency attached by ClinVar (database versions not stated): gnomAD 0.00001.
gnomAD v4.1: 1 of 1,614,080 alleles (0.000062%); highest among the groups gnomAD compares: African/African-American, 0.0013%; no homozygotes.

Submissions (2):

Ambry Genetics
Classification: Uncertain significance for Hereditary cancer-predisposing syndrome. Last evaluated: 2024-12-12. Review status: criteria provided, single submitter. Criteria: Ambry Variant Classification Scheme 2023. Collection method: clinical testing. Allele origin: germline.
Comment: The p.V1626L variant (also known as c.4876G>C), located in coding exon 22 of the DICER1 gene, results from a G to C substitution at nucleotide position 4876. The valine at codon 1626 is replaced by leucine, an amino acid with highly similar properties. This amino acid position is conserved. In addition, this alteration is predicted to be tolerated by in silico analysis. Based on the available evidence, the clinical significance of this variant remains unclear.

Labcorp Genetics (formerly Invitae), Labcorp
Classification: Uncertain significance for DICER1-related tumor predisposition. Last evaluated: 2022-03-03. Review status: criteria provided, single submitter. Criteria: Invitae Variant Classification Sherloc (09022015). Collection method: clinical testing. Allele origin: germline.
Comment: In summary, the available evidence is currently insufficient to determine the role of this variant in disease. Therefore, it has been classified as a Variant of Uncertain Significance. Algorithms developed to predict the effect of missense changes on protein structure and function (SIFT, PolyPhen-2, Align-GVGD) all suggest that this variant is likely to be tolerated. ClinVar contains an entry for this variant (Variation ID: 651032). This variant has not been reported in the literature in individuals affected with DICER1-related conditions. This variant is not present in population databases (gnomAD no frequency). This sequence change replaces valine, which is neutral and non-polar, with leucine, which is neutral and non-polar, at codon 1626 of the DICER1 protein (p.Val1626Leu).